The following is an entry in ClinVar:

ClinVar aggregate classification (germline): Uncertain significance (1 of 4 stars; one submission).

Allele frequency attached by ClinVar (database versions not stated): TOPMed below 0.00001; ExAC 0.00001; gnomAD 0.00001; ESP Exome Variant Server 0.00008.
gnomAD v4.1: 29 of 1,614,100 alleles (0.0018%); highest among the groups gnomAD compares: Non-Finnish European, 0.0024%; no homozygotes.

Submission:

Labcorp Genetics (formerly Invitae), Labcorp
Classification: Uncertain significance. Last evaluated: 2024-07-22. Review status: criteria provided, single submitter. Criteria: Invitae Variant Classification Sherloc (09022015). Collection method: clinical testing. Allele origin: germline.
Comment: This sequence change replaces cysteine, which is neutral and slightly polar, with tyrosine, which is neutral and polar, at codon 357 of the SLC16A1 protein (p.Cys357Tyr). This variant is present in population databases (rs371130423, gnomAD 0.002%). This variant has not been reported in the literature in individuals affected with SLC16A1-related conditions. ClinVar contains an entry for this variant (Variation ID: 1952384). An algorithm developed to predict the effect of missense changes on protein structure and function (PolyPhen-2) suggests that this variant is likely to be disruptive. In summary, the available evidence is currently insufficient to determine the role of this variant in disease. Therefore, it has been classified as a Variant of Uncertain Significance.

NM_003051.4(SLC16A1):c.1070G>A (p.Cys357Tyr)

Gene: SLC16A1 (solute carrier family 16 member 1; minus strand). Cytogenetic location: 1p13.2.
Variant type: single nucleotide variant.
Coding change: c.1070G>A on transcript NM_003051.4 (MANE Select); coding-DNA position 1070, G replaced by A.
Protein change: p.Cys357Tyr; replaces cysteine 357 with tyrosine.
Molecular consequence: missense variant.
Genome position (GRCh38, 1-based): chr1:112,917,336, C>T on the plus strand (G>A on the coding strand, the complement: SLC16A1 is on the minus strand). VCF-style: chr1-112917336-C-T. GRCh37 (hg19) VCF-style: chr1-113459958-C-T.
Other names: c.1070G>A, p.Cys357Tyr (NM_001166496.2); short protein forms C357Y.
Identifiers: ClinVar variation 1952384 (VCV001952384.5), dbSNP rs371130423, ClinGen allele CA1011333.
Genomic context (GRCh38, chr1:112,917,336, plus strand): 5'-GTTTCAAACAATACGGAGCTGAGCCACCCGAAGGCAAATCCAAAGAATCCCGCATAGACA[C>T]AGAATCCAACATAGGTAGTGGATAAAGGTGCTAGCATATGACACACTCCATTTGCAACAA-3'
Protein context (NP_003042.3, residues 347-367): APLSTTYVGF[Cys357Tyr]VYAGFFGFAF